The following is an entry in ClinVar:

NM_014908.4(DOLK):c.434G>C (p.Gly145Ala)

Gene: DOLK (dolichol kinase; minus strand). Cytogenetic location: 9q34.11.
Variant type: single nucleotide variant.
Coding change: c.434G>C on transcript NM_014908.4 (MANE Select); coding-DNA position 434, G replaced by C.
Protein change: p.Gly145Ala; replaces glycine 145 with alanine.
Molecular consequence: missense variant.
Genome position (GRCh38, 1-based): chr9:128,946,870, C>G on the plus strand (G>C on the coding strand, the complement: DOLK is on the minus strand). VCF-style: chr9-128946870-C-G. GRCh37 (hg19) VCF-style: chr9-131709149-C-G.
Other names: short protein forms G145A.
Identifiers: ClinVar variation 504837 (VCV000504837.13), dbSNP rs377064301, ClinGen allele CA5271746.

ClinVar aggregate classification (germline): Uncertain significance. Review status: criteria provided, multiple submitters, no conflicts (2 of 4 stars). 5 submissions from 5 submitters: Uncertain significance (5). Last evaluated 2025-11-17.

Conditions:
Cardiovascular phenotype. Identifiers: MedGen CN230736.
DK1-congenital disorder of glycosylation. Also called: DK1-CDG; DOLK-congenital disorder of glycosylation; Carbohydrate deficient glycoprotein syndrome type 1m; CONGENITAL DISORDER OF GLYCOSYLATION, TYPE Im; CDG Im; DK1 DEFICIENCY. Identifiers: Orphanet 91131, MedGen C1835849, MONDO:0012556, OMIM 610768.

Allele frequency attached by ClinVar (database versions not stated): gnomAD exomes 0.00001; ExAC 0.00002; gnomAD 0.00005; TOPMed 0.00006; ESP Exome Variant Server 0.00008.
gnomAD v4.1: 19 of 1,608,770 alleles (0.0012%); highest among the groups gnomAD compares: African/African-American, 0.021%; no homozygotes.

Submissions (5):

Women's Health and Genetics/Laboratory Corporation of America, LabCorp
Classification: Uncertain significance. Last evaluated: 2025-11-17. Review status: criteria provided, single submitter. Criteria: LabCorp Variant Classification Summary - May 2015. Collection method: clinical testing. Allele origin: germline.

Labcorp Genetics (formerly Invitae), Labcorp
Classification: Uncertain significance for DK1-congenital disorder of glycosylation. Last evaluated: 2022-10-25. Review status: criteria provided, single submitter. Criteria: Invitae Variant Classification Sherloc (09022015). Collection method: clinical testing. Allele origin: germline.
Comment: This sequence change replaces glycine, which is neutral and non-polar, with alanine, which is neutral and non-polar, at codon 145 of the DOLK protein (p.Gly145Ala). This variant is present in population databases (rs377064301, gnomAD 0.01%). This variant has not been reported in the literature in individuals affected with DOLK-related conditions. ClinVar contains an entry for this variant (Variation ID: 504837). Advanced modeling of protein sequence and biophysical properties (such as structural, functional, and spatial information, amino acid conservation, physicochemical variation, residue mobility, and thermodynamic stability) performed at Invitae indicates that this missense variant is not expected to disrupt DOLK protein function. In summary, the available evidence is currently insufficient to determine the role of this variant in disease. Therefore, it has been classified as a Variant of Uncertain Significance.

Fulgent Genetics
Classification: Uncertain significance for DK1-congenital disorder of glycosylation. Last evaluated: 2021-11-05. Review status: criteria provided, single submitter. Criteria: ACMG Guidelines, 2015. Collection method: clinical testing. Allele origin: unknown.

Ambry Genetics
Classification: Uncertain significance for Cardiovascular phenotype. Last evaluated: 2021-10-11. Review status: criteria provided, single submitter. Criteria: Ambry Variant Classification Scheme 2023. Collection method: clinical testing. Allele origin: germline.
Comment: The p.G145A variant (also known as c.434G>C), located in coding exon 1 of the DOLK gene, results from a G to C substitution at nucleotide position 434. The glycine at codon 145 is replaced by alanine, an amino acid with similar properties. This amino acid position is conserved. In addition, the in silico prediction for this alteration is inconclusive. Since supporting evidence is limited at this time, the clinical significance of this alteration remains unclear.

Laboratory for Molecular Medicine, Mass General Brigham Personalized Medicine
Classification: Uncertain significance. Last evaluated: 2016-06-10. Review status: criteria provided, single submitter. Criteria: LMM Criteria. Collection method: clinical testing. Allele origin: germline. Observed: 1 variant allele.
Comment: The p.Gly145Ala variant in DOLK has not been previously reported in individuals with cardiomyopathy, but has been identified in 2/10346 African chromosomes by t he Exome Aggregation Consortium (ExAC; dbSNP rs3 77064301). Computational prediction tools and conservation analysis suggest that the p.Gly145Ala variant may not impact the protein, though this information is not predictive enough to rule out pathogenicity. In summary, the clinical signif icance of the p.Gly145Ala variant is uncertain.